The following is an entry in ClinVar:

NM_001025295.3(IFITM5):c.310G>A (p.Val104Met)

Gene: IFITM5 (interferon induced transmembrane protein 5; minus strand). Cytogenetic location: 11p15.5.
Variant type: single nucleotide variant.
Coding change: c.310G>A on transcript NM_001025295.3 (MANE Select); coding-DNA position 310, G replaced by A.
Protein change: p.Val104Met; replaces valine 104 with methionine.
Molecular consequence: missense variant.
Genome position (GRCh38, 1-based): chr11:298,590, C>T on the plus strand (G>A on the coding strand, the complement: IFITM5 is on the minus strand). VCF-style: chr11-298590-C-T. GRCh37 (hg19) VCF-style: chr11-298590-C-T.
Other names: short protein forms V104M.
Identifiers: ClinVar variation 2988228 (VCV002988228.3), dbSNP rs1196884021, ClinGen allele CA378890083.
Genomic context (GRCh38, chr11:298,590, plus strand): 5'-TGCTGAAGAAGGCGGCAGAGTCCTTGGCCAGCCGGGCCAGGTGCAGGGCACCAGTCACCA[C>T]CAGCCCCAGGAGCAGCAGTGGCGGCACCAGCGTCCACATCGCGGCCAGGATGTTGTAGCA-3'
Protein context (NP_001020466.1, residues 94-114): LVPPLLLLGL[Val104Met]VTGALHLARL

ClinVar aggregate classification (germline): Uncertain significance (1 of 4 stars; one submission).

Allele frequency attached by ClinVar (database versions not stated): gnomAD 0.00001; TOPMed 0.00001.
gnomAD v4.1: 7 of 1,613,524 alleles (0.00043%); highest among the groups gnomAD compares: Non-Finnish European, 0.00051%; no homozygotes.

Submission:

Labcorp Genetics (formerly Invitae), Labcorp
Classification: Uncertain significance. Last evaluated: 2023-03-10. Review status: criteria provided, single submitter. Criteria: Invitae Variant Classification Sherloc (09022015). Collection method: clinical testing. Allele origin: germline.
Comment: This sequence change replaces valine, which is neutral and non-polar, with methionine, which is neutral and non-polar, at codon 104 of the IFITM5 protein (p.Val104Met). This variant is present in population databases (no rsID available, gnomAD 0.007%). In summary, the available evidence is currently insufficient to determine the role of this variant in disease. Therefore, it has been classified as a Variant of Uncertain Significance. An algorithm developed to predict the effect of missense changes on protein structure and function (PolyPhen-2) suggests that this variant is likely to be tolerated. This variant has not been reported in the literature in individuals affected with IFITM5-related conditions.